The following is an entry in ClinVar:

NM_001353345.2(SETD1B):c.1483C>A (p.Pro495Thr)

Gene: SETD1B (SET domain containing 1B, histone lysine methyltransferase; plus strand). Cytogenetic location: 12q24.31.
Variant type: single nucleotide variant.
Coding change: c.1483C>A on transcript NM_001353345.2 (MANE Select); coding-DNA position 1483, C replaced by A.
Protein change: p.Pro495Thr; replaces proline 495 with threonine.
Molecular consequence: missense variant.
Genome position (GRCh38, 1-based): chr12:121,810,428, C>A. VCF-style: chr12-121810428-C-A. GRCh37 (hg19) VCF-style: chr12-122248334-C-A.
Other names: short protein forms P495T.
Identifiers: ClinVar variation 1701217 (VCV001701217.31), dbSNP rs2137552761, ClinGen allele CA386991998.

ClinVar aggregate classification (germline): Uncertain significance (1 of 4 stars; one submission).

Submission:

CeGaT Center for Human Genetics Tuebingen
Classification: Uncertain significance. Last evaluated: 2022-07-01. Review status: criteria provided, single submitter. Criteria: CeGaT Center For Human Genetics Tuebingen Variant Classification Criteria Version 2. Collection method: clinical testing. Allele origin: germline. Affected: yes. Observed: 1 variant allele.
Comment: SETD1B: PM2, PP2